The following is an entry in ClinVar:

NM_001184.4(ATR):c.844G>C (p.Glu282Gln)

Gene: ATR (ATR checkpoint kinase; minus strand). Cytogenetic location: 3q23.
Variant type: single nucleotide variant.
Coding change: c.844G>C on transcript NM_001184.4 (MANE Select); coding-DNA position 844, G replaced by C.
Protein change: p.Glu282Gln; replaces glutamic acid 282 with glutamine.
Molecular consequence: missense variant.
Genome position (GRCh38, 1-based): chr3:142,562,558, C>G on the plus strand (G>C on the coding strand, the complement: ATR is on the minus strand). VCF-style: chr3-142562558-C-G. GRCh37 (hg19) VCF-style: chr3-142281400-C-G.
Other names: c.844G>C, p.Glu282Gln (NM_001354579.2); short protein forms E282Q.
Identifiers: ClinVar variation 2699589 (VCV002699589.3), dbSNP rs200664758, ClinGen allele CA84755703.

ClinVar aggregate classification (germline): Uncertain significance (1 of 4 stars; one submission).

Allele frequency attached by ClinVar (database versions not stated): TOPMed below 0.00001; gnomAD exomes 0.00001.

Submission:

Labcorp Genetics (formerly Invitae), Labcorp
Classification: Uncertain significance. Last evaluated: 2023-02-01. Review status: criteria provided, single submitter. Criteria: Invitae Variant Classification Sherloc (09022015). Collection method: clinical testing. Allele origin: germline.
Comment: This sequence change replaces glutamic acid, which is acidic and polar, with glutamine, which is neutral and polar, at codon 282 of the ATR protein (p.Glu282Gln). This variant is not present in population databases (gnomAD no frequency). This variant has not been reported in the literature in individuals affected with ATR-related conditions. Algorithms developed to predict the effect of missense changes on protein structure and function output the following: SIFT: "Tolerated"; PolyPhen-2: "Benign"; Align-GVGD: "Class C0". The glutamine amino acid residue is found in multiple mammalian species, which suggests that this missense change does not adversely affect protein function. In summary, the available evidence is currently insufficient to determine the role of this variant in disease. Therefore, it has been classified as a Variant of Uncertain Significance.